The following is an entry in ClinVar:

ClinVar aggregate classification (germline): Uncertain significance. Review status: criteria provided, multiple submitters, no conflicts (2 of 4 stars). 2 submissions from 2 submitters: Uncertain significance (2). Last evaluated 2025-10-30.

Conditions:
Inborn genetic diseases. Identifiers: MedGen C0950123, MeSH D030342.

Allele frequency attached by ClinVar (database versions not stated): gnomAD exomes below 0.00001; TOPMed below 0.00001.
gnomAD v4.1: 4 of 1,542,732 alleles (0.00026%); highest among the groups gnomAD compares: Admixed American, 0.0039%; no homozygotes.

Submissions (2):

Ambry Genetics
Classification: Uncertain significance for Inborn genetic diseases. Last evaluated: 2025-10-30. Review status: criteria provided, single submitter. Criteria: Ambry Variant Classification Scheme 2023. Collection method: clinical testing. Allele origin: germline.

Labcorp Genetics (formerly Invitae), Labcorp
Classification: Uncertain significance. Last evaluated: 2025-04-13. Review status: criteria provided, single submitter. Criteria: Invitae Variant Classification Sherloc (09022015). Collection method: clinical testing. Allele origin: germline.
Comment: This sequence change replaces alanine, which is neutral and non-polar, with valine, which is neutral and non-polar, at codon 455 of the ACAN protein (p.Ala455Val). This variant is not present in population databases (gnomAD no frequency). This variant has not been reported in the literature in individuals affected with ACAN-related conditions. ClinVar contains an entry for this variant (Variation ID: 1912018). Invitae Evidence Modeling of protein sequence and biophysical properties (such as structural, functional, and spatial information, amino acid conservation, physicochemical variation, residue mobility, and thermodynamic stability) indicates that this missense variant is not expected to disrupt ACAN protein function with a negative predictive value of 80%. In summary, the available evidence is currently insufficient to determine the role of this variant in disease. Therefore, it has been classified as a Variant of Uncertain Significance.

NM_001369268.1(ACAN):c.1364C>T (p.Ala455Val)

Gene: ACAN (aggrecan; plus strand). Cytogenetic location: 15q26.1.
Variant type: single nucleotide variant.
Coding change: c.1364C>T on transcript NM_001369268.1 (MANE Select); coding-DNA position 1364, C replaced by T.
Protein change: p.Ala455Val; replaces alanine 455 with valine.
Molecular consequence: missense variant.
Genome position (GRCh38, 1-based): chr15:88,845,817, C>T. VCF-style: chr15-88845817-C-T. GRCh37 (hg19) VCF-style: chr15-89389048-C-T.
Other names: c.1364C>T (NM_013227.3); c.1364C>T, p.Ala455Val (NM_001135.4, NM_001411096.1, NM_001411097.1 and 1 more transcripts); short protein forms A455V.
Identifiers: ClinVar variation 1912018 (VCV001912018.6), dbSNP rs1896780861, ClinGen allele CA393710132.
Genomic context (GRCh38, chr15:88,845,817, plus strand): 5'-AGACTGGAGAGGCCACCAGGCCCTGGGGCTTTCCCACACCTGGCCTGGGCCCTGCCACGG[C>T]ATTCACCAGTGAGGACCTCGTCGTGCAGGTGACCGCTGTCCCTGGGCAGCCGCATTTGCC-3'
Protein context (NP_001356197.1, residues 445-465): FPTPGLGPAT[Ala455Val]FTSEDLVVQV